The following is an entry in ClinVar:

NM_205836.3(FBXO38):c.2279C>T (p.Ser760Phe)

Gene: FBXO38 (F-box protein 38; plus strand). Cytogenetic location: 5q32.
Variant type: single nucleotide variant.
Coding change: c.2279C>T on transcript NM_205836.3 (MANE Select); coding-DNA position 2279, C replaced by T.
Protein change: p.Ser760Phe; replaces serine 760 with phenylalanine.
Molecular consequence: missense variant. On other transcripts: intron variant (1).
Genome position (GRCh38, 1-based): chr5:148,427,573, C>T. VCF-style: chr5-148427573-C-T. GRCh37 (hg19) VCF-style: chr5-147807136-C-T.
Other names: c.2279C>T, p.Ser760Phe (NM_030793.5); c.1918+1872C>T (NM_001271723.2); short protein forms S760F.
Identifiers: ClinVar variation 4770684 (VCV004770684.1).

ClinVar aggregate classification (germline): Uncertain significance (1 of 4 stars; one submission).

Conditions:
Distal hereditary motor neuropathy type 2. Identifiers: Orphanet 139525, MedGen C3711384, MeSH C580044, MONDO:0015352.

gnomAD v4.1: 2 of 1,614,172 alleles (0.00012%); highest among the groups gnomAD compares: Non-Finnish European, 0.00017%; no homozygotes.

Submission:

Labcorp Genetics (formerly Invitae), Labcorp
Classification: Uncertain significance for Distal hereditary motor neuropathy type 2. Last evaluated: 2026-01-27. Review status: criteria provided, single submitter. Criteria: Invitae Variant Classification Sherloc (09022015). Collection method: clinical testing. Allele origin: germline.
Comment: This sequence change replaces serine, which is neutral and polar, with phenylalanine, which is neutral and non-polar, at codon 760 of the FBXO38 protein (p.Ser760Phe). This variant is not present in population databases (gnomAD no frequency). This variant has not been reported in the literature in individuals affected with FBXO38-related conditions. Invitae Evidence Modeling of protein sequence and biophysical properties (such as structural, functional, and spatial information, amino acid conservation, physicochemical variation, residue mobility, and thermodynamic stability) indicates that this missense variant is not expected to disrupt FBXO38 protein function with a negative predictive value of 80%. In summary, the available evidence is currently insufficient to determine the role of this variant in disease. Therefore, it has been classified as a Variant of Uncertain Significance.